The following is an entry in ClinVar:

ClinVar aggregate classification (germline): Benign. Review status: criteria provided, multiple submitters, no conflicts (2 of 4 stars). 9 submissions from 9 submitters: Benign (7). 2 of the submissions do not count toward it. Last evaluated 2026-02-04.

Conditions:
Dystonic disorder. Also called: Dystonia. Identifiers: MedGen C0013421, MONDO:0003441, HP:0001332.
Early-onset generalized limb-onset dystonia. Also called: Dystonia 1, modifier of; DYT-TOR1A; DYSTONIA 1, TORSION, AUTOSOMAL DOMINANT; DYSTONIA MUSCULORUM DEFORMANS 1; Dystonia-1, torsion; Oppenheim's dystonia. Identifiers: Orphanet 256, MedGen C1851945, MONDO:0007492, OMIM 128100.

Allele frequency attached by ClinVar (database versions not stated): TOPMed 0.22341; gnomAD exomes 0.22358; 1000 Genomes Project 0.22624; ExAC 0.22747; gnomAD 0.22956 and 0.22977; 1000 Genomes Project 30x 0.22283; ESP Exome Variant Server 0.23428.
gnomAD v4.1: 380,984 of 1,613,904 alleles (24%); highest among the groups gnomAD compares: East Asian, 25%; 45,524 homozygotes.

Submissions (9):

Labcorp Genetics (formerly Invitae), Labcorp
Classification: Benign for Dystonic disorder. Last evaluated: 2026-02-04. Review status: criteria provided, single submitter. Criteria: Invitae Variant Classification Sherloc (09022015). Collection method: clinical testing. Allele origin: germline.

Unidad de Genómica Garrahan, Hospital de Pediatría Garrahan
Classification: Benign. Last evaluated: 2024-07-31. Review status: criteria provided, single submitter. Criteria: ACMG Guidelines, 2015. Collection method: clinical testing. Allele origin: germline. Affected: no. Observed: 37 variant alleles.
Comment: This variant is classified as Benign based on local population frequency. This variant was detected in 40% of patients studied in a panel designed for Epileptic and Developmental Encephalopathy, Progressive Myoclonus Epilepsy and Abnormal Movements and Neurodegeneration with brain iron accumulation. Number of patients: 37. Only high quality variants are reported.

Mayo Clinic Laboratories, Mayo Clinic
Classification: Benign. Last evaluated: 2022-03-24. Review status: criteria provided, single submitter. Criteria: ACMG Guidelines, 2015. Collection method: clinical testing. Allele origin: germline. Observed: 275 variant alleles.

GeneDx
Classification: Benign. Last evaluated: 2018-07-17. Review status: criteria provided, single submitter. Criteria: GeneDx Variant Classification Process June 2021. Collection method: clinical testing. Allele origin: germline. Affected: yes.

Illumina Laboratory Services, Illumina
Classification: Benign for Early-onset generalized limb-onset dystonia. Last evaluated: 2018-01-12. Review status: criteria provided, single submitter. Criteria: ICSL Variant Classification Criteria 13 December 2019. Collection method: clinical testing. Allele origin: germline.
Comment: This variant was observed in the ICSL laboratory as part of a predisposition screen in an ostensibly healthy population. It had not been previously curated by ICSL or reported in the Human Gene Mutation Database (HGMD: prior to June 1st, 2018), and was therefore a candidate for classification through an automated scoring system. Utilizing variant allele frequency, disease prevalence and penetrance estimates, and inheritance mode, an automated score was calculated to assess if this variant is too frequent to cause the disease. Based on the score and internal cut-off values, a variant classified as benign is not then subjected to further curation. The score for this variant resulted in a classification of benign for this disease.

Breakthrough Genomics
Classification: Benign. Review status: criteria provided, single submitter. Criteria: ACMG Guidelines, 2015. Collection method: not provided. Allele origin: germline. Inheritance: Autosomal recessive inheritance. Affected: yes.

PreventionGenetics, part of Exact Sciences
Classification: Benign. Review status: criteria provided, single submitter. Criteria: ACMG Guidelines, 2015. Collection method: clinical testing. Allele origin: germline.

Diagnostic Laboratory, Department of Genetics, University Medical Center Groningen
Classification: Benign. Review status: no assertion criteria provided. Collection method: clinical testing. Allele origin: germline. Affected: yes. Study: VKGL Data-share Consensus. Not counted in ClinVar's aggregate classification.

Joint Genome Diagnostic Labs from Nijmegen and Maastricht, Radboudumc and MUMC+
Classification: Benign. Review status: no assertion criteria provided. Collection method: clinical testing. Allele origin: germline. Affected: yes. Study: VKGL Data-share Consensus. Not counted in ClinVar's aggregate classification.

NM_000113.3(TOR1A):c.246C>T (p.Ala82=)

Gene: TOR1A (torsin family 1 member A; minus strand). Cytogenetic location: 9q34.11.
Variant type: single nucleotide variant.
Coding change: c.246C>T on transcript NM_000113.3 (MANE Select); coding-DNA position 246, C replaced by T.
Protein change: p.Ala82=; no amino-acid change (alanine 82 retained).
Molecular consequence: synonymous variant.
Genome position (GRCh38, 1-based): chr9:129,822,779, G>A on the plus strand (C>T on the coding strand, the complement: TOR1A is on the minus strand). VCF-style: chr9-129822779-G-A. GRCh37 (hg19) VCF-style: chr9-132585058-G-A.
Other names: p.Ala82=.
Identifiers: ClinVar variation 255134 (VCV000255134.25), dbSNP rs2296793, ClinGen allele CA5278718.